The following is an entry in ClinVar:

ClinVar aggregate classification (germline): Uncertain significance (1 of 4 stars; one submission).

Conditions:
Epidermodysplasia verruciformis. Identifiers: Orphanet 302, MedGen C0014522, MONDO:0009176.

Allele frequency attached by ClinVar (database versions not stated): ExAC 0.00001.

Submission:

Labcorp Genetics (formerly Invitae), Labcorp
Classification: Uncertain significance for Epidermodysplasia verruciformis. Last evaluated: 2020-02-29. Review status: criteria provided, single submitter. Criteria: Invitae Variant Classification Sherloc (09022015). Collection method: clinical testing. Allele origin: germline.
Comment: Algorithms developed to predict the effect of sequence changes on RNA splicing suggest that this variant may create or strengthen a splice site, but this prediction has not been confirmed by published transcriptional studies. This sequence change replaces alanine with valine at codon 240 of the TMC8 protein (p.Ala240Val). The alanine residue is weakly conserved and there is a small physicochemical difference between alanine and valine. This variant is present in population databases (rs757640069, ExAC 0.006%). This variant has not been reported in the literature in individuals with TMC8-related disease. Algorithms developed to predict the effect of missense changes on protein structure and function output the following: SIFT: "Tolerated"; PolyPhen-2: "Benign"; Align-GVGD: "Class C0". The valine amino acid residue is found in multiple mammalian species, suggesting that this missense change does not adversely affect protein function. These predictions have not been confirmed by published functional studies and their clinical significance is uncertain. In summary, the available evidence is currently insufficient to determine the role of this variant in disease. Therefore, it has been classified as a Variant of Uncertain Significance.

NM_152468.5(TMC8):c.719C>T (p.Ala240Val)

Gene: TMC8 (transmembrane channel like 8; plus strand). Cytogenetic location: 17q25.3.
Variant type: single nucleotide variant.
Coding change: c.719C>T on transcript NM_152468.5 (MANE Select); coding-DNA position 719, C replaced by T.
Protein change: p.Ala240Val; replaces alanine 240 with valine.
Molecular consequence: missense variant.
Genome position (GRCh38, 1-based): chr17:78,133,903, C>T. VCF-style: chr17-78133903-C-T. GRCh37 (hg19) VCF-style: chr17-76129984-C-T.
Other names: short protein forms A240V.
Identifiers: ClinVar variation 663103 (VCV000663103.9), dbSNP rs757640069, ClinGen allele CA8796587.
Genomic context (GRCh38, chr17:78,133,903, plus strand): 5'-TGCCCCGCAGGATGGTGAAGGGGCTGCCGCAGAAGACTCTGCTGGGTCAGGGCTATCAGG[C>T]GCCTCTCAGCGCCAAGGTCTTCTCCTCATGGGACTTCTGCATCCGGGTGCAGGAAGCAGC-3'
Protein context (NP_689681.2, residues 230-250): QKTLLGQGYQ[Ala240Val]PLSAKVFSSW